The following is an entry in ClinVar:

NM_004186.5(SEMA3F):c.549+9C>T

Gene: SEMA3F (semaphorin 3F; plus strand). Cytogenetic location: 3p21.31.
Variant type: single nucleotide variant.
Coding change: c.549+9C>T on transcript NM_004186.5 (MANE Select); 9 bases into the intron after coding-DNA position 549, C replaced by T.
Molecular consequence: intron variant.
Genome position (GRCh38, 1-based): chr3:50,175,197, C>T. VCF-style: chr3-50175197-C-T. GRCh37 (hg19) VCF-style: chr3-50212630-C-T.
Other names: c.252+847C>T (NM_001318798.2); c.456+847C>T (NM_001318800.2).
Identifiers: ClinVar variation 4983987 (VCV004983987.1).
Genomic context (GRCh38, chr3:50,175,197, plus strand): 5'-CAGCAGAGCCACGGATGGTGCCCTCCGCCCGATGCCCACAGCCCCACGCCAGGTGGGCCT[C>T]ATCCCTCCAGGCCTTTGCCAGGCAGCACTGCCTCTGAGCGGAACTCACCCTGGGCCTGCA-3'

ClinVar aggregate classification (germline): Likely benign (1 of 4 stars; one submission).

Conditions:
SEMA3F-related disorder. Also called: SEMA3F-related condition.

gnomAD v4.1: 15 of 1,568,298 alleles (0.00096%); highest among the groups gnomAD compares: South Asian, 0.0081%; no homozygotes.

Submission:

PreventionGenetics, part of Exact Sciences
Classification: Likely benign for SEMA3F-related condition. Last evaluated: 2026-05-17. Review status: criteria provided, single submitter. Criteria: ACMG Guidelines, 2015. Collection method: clinical testing. Allele origin: germline.
Comment: This variant is classified as likely benign based on ACMG/AMP sequence variant interpretation guidelines (Richards et al. 2015 PMID: 25741868, with internal and published modifications).